The following is an entry in ClinVar:

NM_000278.5(PAX2):c.326T>C (p.Met109Thr)

Gene: PAX2 (paired box 2; plus strand). Cytogenetic location: 10q24.31.
Variant type: single nucleotide variant.
Coding change: c.326T>C on transcript NM_000278.5 (MANE Select); coding-DNA position 326, T replaced by C.
Protein change: p.Met109Thr; replaces methionine 109 with threonine.
Molecular consequence: missense variant.
Genome position (GRCh38, 1-based): chr10:100,750,807, T>C. VCF-style: chr10-100750807-T-C. GRCh37 (hg19) VCF-style: chr10-102510564-T-C.
Other names: c.419T>C, p.Met140Thr (NM_001304569.2); c.326T>C, p.Met109Thr (NM_003987.5, NM_003988.5, NM_003989.5 and 1 more transcripts); short protein forms M109T, M140T.
Identifiers: ClinVar variation 2953077 (VCV002953077.3), dbSNP rs1845412297, ClinGen allele CA378258033.

ClinVar aggregate classification (germline): Uncertain significance (1 of 4 stars; one submission).

Conditions:
Focal segmental glomerulosclerosis 7 (FSGS7). Identifiers: Orphanet 656, MedGen C4014925, MONDO:0014451, OMIM 616002.
Renal coloboma syndrome (PAPRS). Also called: COLOBOMA OF OPTIC NERVE WITH RENAL DISEASE; OPTIC COLOBOMA, VESICOURETERAL REFLUX, AND RENAL ANOMALIES; OPTIC NERVE COLOBOMA WITH RENAL DISEASE; RENAL-COLOBOMA SYNDROME WITH MACULAR ABNORMALITIES; PAPILLORENAL SYNDROME; PAPILLORENAL SYNDROME WITH MILD OCULAR ABNORMALITIES. Identifiers: Orphanet 1475, MedGen C1852759, MONDO:0007352, OMIM 120330.

Allele frequency attached by ClinVar (database versions not stated): gnomAD exomes below 0.00001.

Submission:

Labcorp Genetics (formerly Invitae), Labcorp
Classification: Uncertain significance for Renal coloboma syndrome; Focal segmental glomerulosclerosis 7. Last evaluated: 2023-10-19. Review status: criteria provided, single submitter. Criteria: Invitae Variant Classification Sherloc (09022015). Collection method: clinical testing. Allele origin: germline.
Comment: This sequence change replaces methionine, which is neutral and non-polar, with threonine, which is neutral and polar, at codon 109 of the PAX2 protein (p.Met109Thr). This variant is not present in population databases (gnomAD no frequency). This variant has not been reported in the literature in individuals affected with PAX2-related conditions. Experimental studies and prediction algorithms are not available or were not evaluated, and the functional significance of this variant is currently unknown. In summary, the available evidence is currently insufficient to determine the role of this variant in disease. Therefore, it has been classified as a Variant of Uncertain Significance.